The following is an entry in ClinVar:

ClinVar aggregate classification (germline): Pathogenic (1 of 4 stars; one submission).

Conditions:
Glycogen storage disease, type II (IOPD). Also called: Glucosidase acid-1,4-alpha deficiency; Pompe Disease; CARDIOMEGALIA GLYCOGENICA DIFFUSA; GLYCOGENOSIS, GENERALIZED, CARDIAC FORM; GSD II; Glycogen storage disease type 2. Identifiers: Orphanet 365, MedGen C0017921, MONDO:0009290, OMIM 232300.

Submission:

Genomenon, Inc
Classification: Pathogenic for Glycogen storage disease, type II. Last evaluated: 2026-07-01. Review status: criteria provided, single submitter. Criteria: Genomenon Sequence Variant Interpretation Standards - Updated. Collection method: curation. Allele origin: germline. Affected: yes.
Comment: GAA p.Gln353Ter (c.1057C>T) is a nonsense variant that introduces a premature stop codon at amino acid position 353 and is predicted to result in a truncated or absent protein product. This variant has been observed in at least one proband with a GAA-related disorder (PMID:40952111). It is absent or not present at a significant frequency in gnomAD. In conclusion, we classify GAA p.Gln353Ter (c.1057C>T) as a pathogenic variant.

Literature cited by the submitters: PubMed 40952111.

NM_000152.5(GAA):c.1057C>T (p.Gln353Ter)

Gene: GAA (alpha glucosidase; plus strand). Cytogenetic location: 17q25.3.
Variant type: single nucleotide variant.
Coding change: c.1057C>T on transcript NM_000152.5 (MANE Select); coding-DNA position 1057, C replaced by T.
Protein change: p.Gln353Ter; replaces glutamine 353 with a stop codon.
Molecular consequence: nonsense.
Genome position (GRCh38, 1-based): chr17:80,108,391, C>T. VCF-style: chr17-80108391-C-T. GRCh37 (hg19) VCF-style: chr17-78082190-C-T.
Other names: c.1057C>T, p.Gln353Ter (NM_001079803.3, NM_001079804.3, NM_001406741.1 and 1 more transcripts); short protein forms Q353*.
Identifiers: ClinVar variation 4876648 (VCV004876648.2).